The following is an entry in ClinVar:

ClinVar aggregate classification (germline): Pathogenic. Review status: criteria provided, multiple submitters, no conflicts (2 of 4 stars). 2 submissions from 2 submitters: Pathogenic (2). Last evaluated 2020-10-23.

Conditions:
Hereditary cancer-predisposing syndrome. Also called: Hereditary Cancer Syndrome; Neoplastic Syndromes, Hereditary; Tumor predisposition; Hereditary neoplastic syndrome. Identifiers: Orphanet 140162, MedGen C0027672, MeSH D009386, MONDO:0015356.

Submissions (2):

Institute of Medical Genetics and Applied Genomics, University Hospital Tübingen
Classification: Pathogenic. Last evaluated: 2020-10-23. Review status: criteria provided, single submitter. Criteria: ACMG Guidelines, 2015. Collection method: clinical testing. Allele origin: germline. Inheritance: Unknown mechanism. Affected: yes.

Ambry Genetics
Classification: Pathogenic for Hereditary cancer-predisposing syndrome. Last evaluated: 2020-01-21. Review status: criteria provided, single submitter. Criteria: Ambry Variant Classification Scheme 2023. Collection method: clinical testing. Allele origin: germline.
Comment: The p.L990* pathogenic mutation (also known as c.2969T>A), located in coding exon 4 of the MSH6 gene, results from a T to A substitution at nucleotide position 2969. This changes the amino acid from a leucine to a stop codon within coding exon 4. This alteration is expected to result in loss of function by premature protein truncation or nonsense-mediated mRNA decay. As such, this alteration is interpreted as a disease-causing mutation.

NM_000179.3(MSH6):c.2969T>A (p.Leu990Ter)

Gene: MSH6 (mutS homolog 6; plus strand). Cytogenetic location: 2p16.3.
Variant type: single nucleotide variant.
Coding change: c.2969T>A on transcript NM_000179.3 (MANE Select); coding-DNA position 2969, T replaced by A.
Protein change: p.Leu990Ter; replaces leucine 990 with a stop codon.
Molecular consequence: nonsense.
Genome position (GRCh38, 1-based): chr2:47,800,952, T>A. VCF-style: chr2-47800952-T-A. GRCh37 (hg19) VCF-style: chr2-48028091-T-A.
Other names: c.2579T>A, p.Leu860Ter (NM_001281492.2); c.2063T>A, p.Leu688Ter (NM_001281493.2, NM_001281494.2); short protein forms L688*, L860*, L990*.
Identifiers: ClinVar variation 986947 (VCV000986947.4), dbSNP rs1669533825, ClinGen allele CA346756317.